The following is an entry in ClinVar:

NM_001363711.2(DUOX2):c.4420A>G (p.Lys1474Glu)

Gene: DUOX2 (dual oxidase 2; minus strand). Cytogenetic location: 15q21.1.
Variant type: single nucleotide variant.
Coding change: c.4420A>G on transcript NM_001363711.2 (MANE Select); coding-DNA position 4420, A replaced by G.
Protein change: p.Lys1474Glu; replaces lysine 1474 with glutamic acid.
Molecular consequence: missense variant.
Genome position (GRCh38, 1-based): chr15:45,094,667, T>C on the plus strand (A>G on the coding strand, the complement: DUOX2 is on the minus strand). VCF-style: chr15-45094667-T-C. GRCh37 (hg19) VCF-style: chr15-45386865-T-C.
Other names: c.4420A>G, p.Lys1474Glu (NM_014080.5); short protein forms K1474E.
Identifiers: ClinVar variation 1384297 (VCV001384297.6), dbSNP rs764364381, ClinGen allele CA7537513.

ClinVar aggregate classification (germline): Uncertain significance (1 of 4 stars; one submission).

Allele frequency attached by ClinVar (database versions not stated): TOPMed 0.00001; gnomAD 0.00003; gnomAD exomes 0.00003 and 0.00004; ExAC 0.00006.
gnomAD v4.1: 55 of 1,613,946 alleles (0.0034%); highest among the groups gnomAD compares: Middle Eastern, 0.066%; no homozygotes.

Submission:

Labcorp Genetics (formerly Invitae), Labcorp
Classification: Uncertain significance. Last evaluated: 2024-05-08. Review status: criteria provided, single submitter. Criteria: Invitae Variant Classification Sherloc (09022015). Collection method: clinical testing. Allele origin: germline.
Comment: This sequence change replaces lysine, which is basic and polar, with glutamic acid, which is acidic and polar, at codon 1474 of the DUOX2 protein (p.Lys1474Glu). This variant is present in population databases (rs764364381, gnomAD 0.02%). This variant has not been reported in the literature in individuals affected with DUOX2-related conditions. ClinVar contains an entry for this variant (Variation ID: 1384297). Advanced modeling of protein sequence and biophysical properties (such as structural, functional, and spatial information, amino acid conservation, physicochemical variation, residue mobility, and thermodynamic stability) performed at Invitae indicates that this missense variant is expected to disrupt DUOX2 protein function with a positive predictive value of 95%. In summary, the available evidence is currently insufficient to determine the role of this variant in disease. Therefore, it has been classified as a Variant of Uncertain Significance.